The following is an entry in ClinVar:

ClinVar aggregate classification (germline): Conflicting classifications of pathogenicity. Review status: criteria provided, conflicting classifications (1 of 4 stars). 3 submissions from 2 submitters: Likely pathogenic (2); Uncertain significance (1). Last evaluated 2024-03-17.

Conditions:
Non-immune hydrops fetalis (NIHF). Also called: Idiopathic hydrops fetalis; Familial non-immune hydrops fetalis; Fetal edema. Identifiers: Orphanet 363999, MedGen C0455988, MONDO:0009369, OMIM 236750, HP:0001790.
Nonsyndromic congenital nail disorder 1. Also called: ONYCHODYSTROPHY TOTALIS, ISOLATED; Twenty nail dystrophy; CLAW-SHAPED NAILS; ONYCHAUXIS, HYPONYCHIA, AND ONYCHOLYSIS; NAIL DISORDER, NONSYNDROMIC CONGENITAL, 10. Identifiers: Orphanet 280654, Orphanet 79153, MedGen C0406443, MONDO:0008060, OMIM 161050.

Submissions (3):

Genomic Medicine Center of Excellence, King Faisal Specialist Hospital and Research Centre
Classification: Likely pathogenic for Nonsyndromic congenital nail disorder 1. Last evaluated: 2024-03-17. Review status: criteria provided, single submitter. Criteria: ACMG Guidelines, 2015. Collection method: research. Allele origin: germline.

Baylor Genetics
Classification: Uncertain significance for Nonsyndromic congenital nail disorder 1. Last evaluated: 2020-06-03. Review status: criteria provided, single submitter. Criteria: ACMG Guidelines, 2015. Collection method: clinical testing. Allele origin: unknown. Affected: yes.
Comment: This variant was determined to be of uncertain significance according to ACMG Guidelines, 2015 [PMID:25741868].

Genomic Medicine Center of Excellence, King Faisal Specialist Hospital and Research Centre
Classification: Likely pathogenic for Non-Immune hydrops fetalis. Last evaluated: 2014-06-24. Review status: criteria provided, single submitter. Criteria: Submitter's publication. Collection method: research. Allele origin: germline. Affected: yes. Observed: 1 homozygote.

NM_003506.4(FZD6):c.869A>G (p.Tyr290Cys)

Gene: FZD6 (frizzled class receptor 6; plus strand). Cytogenetic location: 8q22.3.
Variant type: single nucleotide variant.
Coding change: c.869A>G on transcript NM_003506.4 (MANE Select); coding-DNA position 869, A replaced by G.
Protein change: p.Tyr290Cys; replaces tyrosine 290 with cysteine.
Molecular consequence: missense variant. On other transcripts: non-coding transcript variant (1), intron variant (1).
Genome position (GRCh38, 1-based): chr8:103,324,975, A>G. VCF-style: chr8-103324975-A-G. GRCh37 (hg19) VCF-style: chr8-104337203-A-G.
Other names: c.869A>G, p.Tyr290Cys (NM_001164615.2); c.773A>G, p.Tyr258Cys (NM_001164616.2); c.33-79A>G (NM_001317796.2); short protein forms Y258C, Y290C.
Identifiers: ClinVar variation 190461 (VCV000190461.4), dbSNP rs786205672, ClinGen allele CA199714.